The following is an entry in ClinVar:

NM_004082.5(DCTN1):c.1727T>C (p.Met576Thr)

Gene: DCTN1 (dynactin subunit 1; minus strand). Cytogenetic location: 2p13.1.
Variant type: single nucleotide variant.
Coding change: c.1727T>C on transcript NM_004082.5 (MANE Select); coding-DNA position 1727, T replaced by C.
Protein change: p.Met576Thr; replaces methionine 576 with threonine.
Molecular consequence: missense variant. On other transcripts: non-coding transcript variant (1).
Genome position (GRCh38, 1-based): chr2:74,368,855, A>G on the plus strand (T>C on the coding strand, the complement: DCTN1 is on the minus strand). VCF-style: chr2-74368855-A-G. GRCh37 (hg19) VCF-style: chr2-74595982-A-G.
Other names: c.1667T>C, p.Met556Thr (NM_001135040.3); c.1325T>C, p.Met442Thr (NM_001135041.3, NM_023019.4); c.1616T>C, p.Met539Thr (NM_001190836.2); c.1706T>C, p.Met569Thr (NM_001190837.2); c.1676T>C, p.Met559Thr (NM_001378991.1); c.1658T>C, p.Met553Thr (NM_001378992.1); short protein forms M559T, M569T, M539T, M442T, M553T, M556T, M576T.
Identifiers: ClinVar variation 1424132 (VCV001424132.8), dbSNP rs2103640952, ClinGen allele CA347356038.

ClinVar aggregate classification (germline): Uncertain significance (1 of 4 stars; one submission).

Conditions:
Perry syndrome. Also called: PARKINSONISM WITH ALVEOLAR HYPOVENTILATION AND MENTAL DEPRESSION. Identifiers: Orphanet 178509, MedGen C1868594, MONDO:0008201, OMIM 168605.
Amyotrophic lateral sclerosis type 1 (ALS1). Also called: AMYOTROPHIC LATERAL SCLEROSIS 1, FAMILIAL. Identifiers: Orphanet 803, MedGen C1862939, MONDO:0007103, OMIM 105400.
Neuronopathy, distal hereditary motor, type 7B. Also called: HMN VIIB; LOWER MOTOR NEURON DISEASE, DYNACTIN TYPE; Distal Hereditary Motor Neuronopathy Type 7B (dHMN7B); NEURONOPATHY, DISTAL HEREDITARY MOTOR, AUTOSOMAL DOMINANT 14; NEURONOPATHY, DISTAL HEREDITARY MOTOR, HARDING TYPE VIIB; NEUROPATHY, DISTAL HEREDITARY MOTOR, HARDING TYPE VIIB. Identifiers: Orphanet 139589, MedGen C1843315, MONDO:0011879, OMIM 607641.

Allele frequency attached by ClinVar (database versions not stated): gnomAD exomes below 0.00001.
gnomAD v4.1: 1 of 1,614,250 alleles (0.000062%); highest among the groups gnomAD compares: South Asian, 0.0011%; no homozygotes.

Submission:

Labcorp Genetics (formerly Invitae), Labcorp
Classification: Uncertain significance for Amyotrophic lateral sclerosis type 1; Neuronopathy, distal hereditary motor, type 7B; Perry syndrome. Last evaluated: 2020-11-21. Review status: criteria provided, single submitter. Criteria: Invitae Variant Classification Sherloc (09022015). Collection method: clinical testing. Allele origin: germline.
Comment: In summary, the available evidence is currently insufficient to determine the role of this variant in disease. Therefore, it has been classified as a Variant of Uncertain Significance. Algorithms developed to predict the effect of missense changes on protein structure and function (SIFT, PolyPhen-2, Align-GVGD) all suggest that this variant is likely to be disruptive, but these predictions have not been confirmed by published functional studies and their clinical significance is uncertain. This variant has been observed in individual(s) with amyotrophic lateral sclerosis (Invitae). This variant is not present in population databases (ExAC no frequency). This sequence change replaces methionine with threonine at codon 576 of the DCTN1 protein (p.Met576Thr). The methionine residue is highly conserved and there is a moderate physicochemical difference between methionine and threonine.